The following is an entry in ClinVar:

NM_000245.4(MET):c.2105T>C (p.Val702Ala)

Gene: MET (MET proto-oncogene, receptor tyrosine kinase; plus strand). Cytogenetic location: 7q31.2.
Variant type: single nucleotide variant.
Coding change: c.2105T>C on transcript NM_000245.4 (MANE Select); coding-DNA position 2105, T replaced by C.
Protein change: p.Val702Ala; replaces valine 702 with alanine.
Molecular consequence: missense variant.
Genome position (GRCh38, 1-based): chr7:116,758,461, T>C. VCF-style: chr7-116758461-T-C. GRCh37 (hg19) VCF-style: chr7-116398515-T-C.
Other names: c.2105T>C (NM_000245.2); c.2105T>C, p.Val702Ala (NM_001127500.3, NM_001324401.3); c.815T>C, p.Val272Ala (NM_001324402.2); short protein forms V272A, V702A.
Identifiers: ClinVar variation 1965073 (VCV001965073.4), dbSNP rs2116929861, ClinGen allele CA368980374.

ClinVar aggregate classification (germline): Uncertain significance. Review status: criteria provided, multiple submitters, no conflicts (2 of 4 stars). 2 submissions from 2 submitters: Uncertain significance (2). Last evaluated 2026-07-06.

Conditions:
Renal cell carcinoma. Identifiers: Orphanet 217071, MedGen C0007134, MeSH D002292, MONDO:0005086, HP:0005584.
Hereditary cancer-predisposing syndrome. Also called: Hereditary neoplastic syndrome; Neoplastic Syndromes, Hereditary; Tumor predisposition; Hereditary Cancer Syndrome. Identifiers: Orphanet 140162, MedGen C0027672, MeSH D009386, MONDO:0015356.

gnomAD v4.1: 1 of 1,613,546 alleles (0.000062%); no homozygotes.

Submissions (2):

Ambry Genetics
Classification: Uncertain significance for Hereditary cancer-predisposing syndrome. Last evaluated: 2026-07-06. Review status: criteria provided, single submitter. Criteria: Ambry Variant Classification Scheme 2023. Collection method: clinical testing. Allele origin: germline.
Comment: The p.V702A variant (also known as c.2105T>C), located in coding exon 8 of the MET gene, results from a T to C substitution at nucleotide position 2105. The valine at codon 702 is replaced by alanine, an amino acid with similar properties. This amino acid position is conserved. In addition, the in silico prediction for this alteration is inconclusive. Based on the available evidence, the clinical significance of this variant remains unclear.

Labcorp Genetics (formerly Invitae), Labcorp
Classification: Uncertain significance for Renal cell carcinoma. Last evaluated: 2022-05-27. Review status: criteria provided, single submitter. Criteria: Invitae Variant Classification Sherloc (09022015). Collection method: clinical testing. Allele origin: germline.
Comment: In summary, the available evidence is currently insufficient to determine the role of this variant in disease. Therefore, it has been classified as a Variant of Uncertain Significance. Algorithms developed to predict the effect of missense changes on protein structure and function are either unavailable or do not agree on the potential impact of this missense change (SIFT: "Deleterious"; PolyPhen-2: "Benign"; Align-GVGD: "Class C0"). This variant has not been reported in the literature in individuals affected with MET-related conditions. This variant is not present in population databases (gnomAD no frequency). This sequence change replaces valine, which is neutral and non-polar, with alanine, which is neutral and non-polar, at codon 702 of the MET protein (p.Val702Ala).